The following is an entry in ClinVar:

NM_014324.6(AMACR):c.837G>A (p.Thr279=)

Genes: C1QTNF3-AMACR (C1QTNF3-AMACR readthrough (NMD candidate); minus strand), AMACR (alpha-methylacyl-CoA racemase; minus strand). Cytogenetic location: 5p13.2.
Variant type: single nucleotide variant.
Coding change: c.837G>A on transcript NM_014324.6 (MANE Select); coding-DNA position 837, G replaced by A.
Protein change: p.Thr279=; no amino-acid change (threonine 279 retained).
Molecular consequence: synonymous variant. On other transcripts: non-coding transcript variant (1), 3 prime UTR variant (1).
Genome position (GRCh38, 1-based): chr5:33,989,405, C>T on the plus strand (G>A on the coding strand, the complement: AMACR is on the minus strand). VCF-style: chr5-33989405-C-T. GRCh37 (hg19) VCF-style: chr5-33989510-C-T.
Other names: c.837G>A, p.Thr279= (NM_001167595.2); c.*79G>A (NM_203382.3).
Identifiers: ClinVar variation 382384 (VCV000382384.33), dbSNP rs35655488, ClinGen allele CA3226012.

ClinVar aggregate classification (germline): Benign/Likely benign. Review status: criteria provided, multiple submitters, no conflicts (2 of 4 stars). 6 submissions from 6 submitters: Benign (3); Likely benign (2). 1 of the submissions does not count toward it. Last evaluated 2026-02-03.

Conditions:
Alpha-methylacyl-CoA racemase deficiency (AMACRD). Also called: AMACR deficiency. Identifiers: Orphanet 79095, MedGen C3280428, MONDO:0013681, OMIM 614307. Disease mechanism: loss of function.

Allele frequency attached by ClinVar (database versions not stated): gnomAD 0.00356 and 0.00378; TOPMed 0.00397; 1000 Genomes Project 30x 0.00562; 1000 Genomes Project 0.00579; gnomAD exomes 0.00058 and 0.00126; ExAC 0.00133; ESP Exome Variant Server 0.00338.
gnomAD v4.1: 1,492 of 1,614,168 alleles (0.092%); highest among the groups gnomAD compares: African/African-American, 1.1%; 14 homozygotes.

Submissions (6):

Labcorp Genetics (formerly Invitae), Labcorp
Classification: Benign for Alpha-methylacyl-CoA racemase deficiency. Last evaluated: 2026-02-03. Review status: criteria provided, single submitter. Criteria: Invitae Variant Classification Sherloc (09022015). Collection method: clinical testing. Allele origin: germline.

CeGaT Center for Human Genetics Tuebingen
Classification: Benign. Last evaluated: 2024-09-01. Review status: criteria provided, single submitter. Criteria: CeGaT Center For Human Genetics Tuebingen Variant Classification Criteria Version 2. Collection method: clinical testing. Allele origin: germline. Affected: yes. Observed: 1 variant allele.
Comment: AMACR: BP4, BP7, BS1, BS2

Illumina Laboratory Services, Illumina
Classification: Likely benign for Alpha-methylacyl-CoA racemase deficiency. Last evaluated: 2018-01-12. Review status: criteria provided, single submitter. Criteria: ICSL Variant Classification Criteria 13 December 2019. Collection method: clinical testing. Allele origin: germline.
Comment: This variant was observed in the ICSL laboratory as part of a predisposition screen in an ostensibly healthy population. It had not been previously curated by ICSL or reported in the Human Gene Mutation Database (HGMD: prior to June 1st, 2018), and was therefore a candidate for classification through an automated scoring system. Utilizing variant allele frequency, disease prevalence and penetrance estimates, and inheritance mode, an automated score was calculated to assess if this variant is too frequent to cause the disease. Based on the score and internal cut-off values, a variant classified as likely benign is not then subjected to further curation. The score for this variant resulted in a classification of likely benign for this disease.

GeneDx
Classification: Benign. Last evaluated: 2016-02-23. Review status: criteria provided, single submitter. Criteria: GeneDx Variant Classification (06012015). Collection method: clinical testing. Allele origin: germline. Affected: yes.
Comment: This variant is considered likely benign or benign based on one or more of the following criteria: it is a conservative change, it occurs at a poorly conserved position in the protein, it is predicted to be benign by multiple in silico algorithms, and/or has population frequency not consistent with disease.

Breakthrough Genomics
Classification: Likely benign. Review status: criteria provided, single submitter. Criteria: ACMG Guidelines, 2015. Collection method: not provided. Allele origin: germline. Inheritance: Autosomal recessive inheritance. Affected: yes.

Mayo Clinic Laboratories, Mayo Clinic
Classification: Likely benign. Last evaluated: 2018-02-15. Review status: no assertion criteria provided. Collection method: clinical testing. Allele origin: unknown. Not counted in ClinVar's aggregate classification.